The following is an entry in ClinVar:

ClinVar aggregate classification (germline): Conflicting classifications of pathogenicity. Review status: criteria provided, conflicting classifications (1 of 4 stars). 3 submissions from 3 submitters: Uncertain significance (2); Benign (1). Last evaluated 2025-07-28.

Conditions:
Neurofibromatosis, type 2 (SWNV). Also called: NF2-Related Schwannomatosis; SCHWANNOMATOSIS, VESTIBULAR; BILATERAL ACOUSTIC NEUROFIBROMATOSIS. Identifiers: Orphanet 637, MedGen C0027832, MONDO:0007039, OMIM 101000. Disease mechanism: loss of function.
Hereditary cancer-predisposing syndrome. Also called: Tumor predisposition; Neoplastic Syndromes, Hereditary; Hereditary Cancer Syndrome; Hereditary neoplastic syndrome. Identifiers: Orphanet 140162, MedGen C0027672, MeSH D009386, MONDO:0015356.

Allele frequency attached by ClinVar (database versions not stated): gnomAD exomes below 0.00001; gnomAD 0.00001; ExAC 0.00002; 1000 Genomes Project 30x 0.00016; 1000 Genomes Project 0.00020.
gnomAD v4.1: 7 of 1,614,194 alleles (0.00043%); highest among the groups gnomAD compares: South Asian, 0.0066%; no homozygotes.

Submissions (3):

Ambry Genetics
Classification: Benign for Hereditary cancer-predisposing syndrome. Last evaluated: 2025-07-28. Review status: criteria provided, single submitter. Criteria: Ambry Variant Classification Scheme 2023. Collection method: clinical testing. Allele origin: germline.

All of Us Research Program, National Institutes of Health
Classification: Uncertain significance for Neurofibromatosis, type 2. Last evaluated: 2024-08-06. Review status: criteria provided, single submitter. Criteria: ACMG Guidelines, 2015. Collection method: clinical testing. Allele origin: germline. Inheritance: Autosomal dominant inheritance. Observed: 1 variant allele, 1 heterozygote.
Comment: This study involves interpretation of variants in research participants for the purpose of population health screening. Participant phenotype was not available at the time of variant classification. Additional details can be found in publication PMID: 35346344, PMCID: PMC8962531

Labcorp Genetics (formerly Invitae), Labcorp
Classification: Uncertain significance for Neurofibromatosis, type 2. Last evaluated: 2024-04-22. Review status: criteria provided, single submitter. Criteria: Invitae Variant Classification Sherloc (09022015). Collection method: clinical testing. Allele origin: germline.
Comment: This sequence change replaces glutamine, which is neutral and polar, with arginine, which is basic and polar, at codon 65 of the NF2 protein (p.Gln65Arg). This variant is present in population databases (rs541636141, gnomAD 0.006%). This variant has not been reported in the literature in individuals affected with NF2-related conditions. ClinVar contains an entry for this variant (Variation ID: 1783182). Advanced modeling of protein sequence and biophysical properties (such as structural, functional, and spatial information, amino acid conservation, physicochemical variation, residue mobility, and thermodynamic stability) performed at Invitae indicates that this missense variant is not expected to disrupt NF2 protein function with a negative predictive value of 80%. In summary, the available evidence is currently insufficient to determine the role of this variant in disease. Therefore, it has been classified as a Variant of Uncertain Significance.

Literature cited by the submitters: PubMed 29641532 (cited by Ambry Genetics); PubMed 30553997 (cited by Ambry Genetics).

NM_000268.4(NF2):c.194A>G (p.Gln65Arg)

Gene: NF2 (NF2, moesin-ezrin-radixin like (MERLIN) tumor suppressor; plus strand). Cytogenetic location: 22q12.2.
Variant type: single nucleotide variant.
Coding change: c.194A>G on transcript NM_000268.4 (MANE Select); coding-DNA position 194, A replaced by G.
Protein change: p.Gln65Arg; replaces glutamine 65 with arginine.
Molecular consequence: missense variant. On other transcripts: non-coding transcript variant (1), intron variant (3).
Genome position (GRCh38, 1-based): chr22:29,636,830, A>G. VCF-style: chr22-29636830-A-G. GRCh37 (hg19) VCF-style: chr22-30032819-A-G.
Other names: c.80A>G, p.Gln27Arg (NM_001407053.1, NM_001407056.1); c.194A>G, p.Gln65Arg (NM_001407054.1, NM_001407057.1, NM_001407058.1 and 9 more transcripts); c.-447A>G (NM_001407065.1); c.-63A>G (NM_001407067.1); c.115-2260A>G (NM_181828.3); c.115-5372A>G (NM_181830.3, NM_181831.3); short protein forms Q65R, Q27R.
Identifiers: ClinVar variation 1783182 (VCV001783182.6), dbSNP rs541636141, ClinGen allele CA030964.